The following is an entry in ClinVar:

NM_002230.4(JUP):c.*623G>A

Gene: JUP (junction plakoglobin; minus strand). Cytogenetic location: 17q21.2.
Variant type: single nucleotide variant.
Coding change: c.*623G>A on transcript NM_002230.4 (MANE Select); 623 bases downstream of the stop codon, G replaced by A.
Molecular consequence: 3 prime UTR variant.
Genome position (GRCh38, 1-based): chr17:41,755,121, C>T on the plus strand (G>A on the coding strand, the complement: JUP is on the minus strand). VCF-style: chr17-41755121-C-T. GRCh37 (hg19) VCF-style: chr17-39911373-C-T.
Other names: c.*623G>A (NM_001352773.2); c.*326G>A (NM_001352774.2, NM_001352775.2, NM_001352776.2 and 2 more transcripts).
Identifiers: ClinVar variation 323152 (VCV000323152.6), dbSNP rs55634776, ClinGen allele CA10649206.
Genomic context (GRCh38, chr17:41,755,121, plus strand): 5'-TAGGGCAGTTGGTCGGTGGAGTTCAGTGAGAAAATCAGACCCAGAGAAGGAACCAAAGCC[C>T]TTCCGGGCCCAGGCAGCTGGAGACAGGGAGGCTGGAGGTTTGGAGGGGCGTTGCTGGGGG-3'

ClinVar aggregate classification (germline): Conflicting classifications of pathogenicity. Review status: criteria provided, conflicting classifications (1 of 4 stars). 3 submissions from 2 submitters: Uncertain significance (1); Likely benign (2). Last evaluated 2021-05-16.

Conditions:
Naxos disease (NXD). Also called: KERATOSIS PALMOPLANTARIS WITH ARRHYTHMOGENIC CARDIOMYOPATHY; MAL DE NAXOS; PALMOPLANTAR KERATODERMA WITH ARRHYTHMOGENIC RIGHT VENTRICULAR CARDIOMYOPATHY AND WOOLLY HAIR; WOOLLY HAIR, PALMOPLANTAR KERATODERMA, AND CARDIAC ABNORMALITIES; CARDIOMYOPATHY, ARRHYTHMOGENIC RIGHT VENTRICULAR, WITH SKIN, HAIR, AND NAIL ABNORMALITIES. Identifiers: Orphanet 34217, MedGen C1832600, MONDO:0011017, OMIM 601214.
Arrhythmogenic right ventricular dysplasia 12. Also called: ARRHYTHMOGENIC RIGHT VENTRICULAR DYSPLASIA, FAMILIAL, 12. Identifiers: MedGen C1969081, MONDO:0012684, OMIM 611528.

Allele frequency attached by ClinVar (database versions not stated): 1000 Genomes Project 0.00899; 1000 Genomes Project 30x 0.00953; gnomAD 0.01432 and 0.01451; TOPMed 0.01524; gnomAD exomes 0.01770.
gnomAD v4.1: 6,555 of 397,316 alleles (1.6%); highest among the groups gnomAD compares: Middle Eastern, 2.3%; 76 homozygotes.

Submissions (3):

GeneDx
Classification: Likely benign. Last evaluated: 2021-05-16. Review status: criteria provided, single submitter. Criteria: GeneDx Variant Classification Process June 2021. Collection method: clinical testing. Allele origin: germline. Affected: yes.

Illumina Laboratory Services, Illumina
Classification: Uncertain significance for Naxos disease. Last evaluated: 2018-01-12. Review status: criteria provided, single submitter. Criteria: ICSL Variant Classification Criteria 13 December 2019. Collection method: clinical testing. Allele origin: germline.

Illumina Laboratory Services, Illumina
Classification: Likely benign for Arrhythmogenic right ventricular dysplasia 12. Last evaluated: 2018-01-12. Review status: criteria provided, single submitter. Criteria: ICSL Variant Classification Criteria 13 December 2019. Collection method: clinical testing. Allele origin: germline.
Comment: This variant was observed in the ICSL laboratory as part of a predisposition screen in an ostensibly healthy population. It had not been previously curated by ICSL or reported in the Human Gene Mutation Database (HGMD: prior to June 1st, 2018), and was therefore a candidate for classification through an automated scoring system. Utilizing variant allele frequency, disease prevalence and penetrance estimates, and inheritance mode, an automated score was calculated to assess if this variant is too frequent to cause the disease. Based on the score and internal cut-off values, a variant classified as likely benign is not then subjected to further curation. The score for this variant resulted in a classification of likely benign for this disease.